The following is an entry in ClinVar:

NM_000435.3(NOTCH3):c.5902C>T (p.Gln1968Ter)

Gene: NOTCH3 (notch receptor 3; minus strand). Cytogenetic location: 19p13.12.
Variant type: single nucleotide variant.
Coding change: c.5902C>T on transcript NM_000435.3 (MANE Select); coding-DNA position 5902, C replaced by T.
Protein change: p.Gln1968Ter; replaces glutamine 1968 with a stop codon.
Molecular consequence: nonsense.
Genome position (GRCh38, 1-based): chr19:15,162,476, G>A on the plus strand (C>T on the coding strand, the complement: NOTCH3 is on the minus strand). VCF-style: chr19-15162476-G-A. GRCh37 (hg19) VCF-style: chr19-15273287-G-A.
Other names: short protein forms Q1968*.
Identifiers: ClinVar variation 2127043 (VCV002127043.4), dbSNP rs867603506, ClinGen allele CA305759307.

ClinVar aggregate classification (germline): Uncertain significance (1 of 4 stars; one submission).

Submission:

Labcorp Genetics (formerly Invitae), Labcorp
Classification: Uncertain significance. Last evaluated: 2024-10-30. Review status: criteria provided, single submitter. Criteria: Invitae Variant Classification Sherloc (09022015). Collection method: clinical testing. Allele origin: germline.
Comment: This sequence change creates a premature translational stop signal (p.Gln1968*) in the NOTCH3 gene. While this is not anticipated to result in nonsense mediated decay, it is expected to disrupt the last 354 amino acid(s) of the NOTCH3 protein. This variant is not present in population databases (gnomAD no frequency). This variant has not been reported in the literature in individuals affected with NOTCH3-related conditions. ClinVar contains an entry for this variant (Variation ID: 2127043). Experimental studies and prediction algorithms are not available or were not evaluated, and the functional significance of this variant is currently unknown. In summary, the available evidence is currently insufficient to determine the role of this variant in disease. Therefore, it has been classified as a Variant of Uncertain Significance.